The following is an entry in ClinVar:

ClinVar aggregate classification (germline): Uncertain significance. Review status: criteria provided, multiple submitters, no conflicts (2 of 4 stars). 3 submissions from 3 submitters: Uncertain significance (3). Last evaluated 2024-10-28.

Conditions:
Inborn genetic diseases. Identifiers: MedGen C0950123, MeSH D030342.
Pigmentary pallidal degeneration (NBIA1). Also called: PKAN NEUROAXONAL DYSTROPHY, JUVENILE-ONSET; Neurodegeneration with brain iron accumulation 1; Pantothenate Kinase-Associated Neurodegeneration; HARP SYNDROME; Neuroaxonal dystrophy, late infantile; Hallervorden-Spatz disease. Identifiers: Orphanet 157850, MedGen C0018523, MONDO:0009319, OMIM 234200.

Allele frequency attached by ClinVar (database versions not stated): gnomAD exomes 0.00002 and 0.00007; ExAC 0.00009; 1000 Genomes Project 0.00020; ESP Exome Variant Server 0.00023; TOPMed 0.00024; gnomAD 0.00031 and 0.00032; 1000 Genomes Project 30x 0.00047.
gnomAD v4.1: 83 of 1,614,174 alleles (0.0051%); highest among the groups gnomAD compares: African/African-American, 0.084%; no homozygotes.

Submissions (3):

Labcorp Genetics (formerly Invitae), Labcorp
Classification: Uncertain significance for Pigmentary pallidal degeneration. Last evaluated: 2024-10-28. Review status: criteria provided, single submitter. Criteria: Invitae Variant Classification Sherloc (09022015). Collection method: clinical testing. Allele origin: germline.
Comment: This sequence change replaces arginine, which is basic and polar, with glutamine, which is neutral and polar, at codon 532 of the PANK2 protein (p.Arg532Gln). This variant is present in population databases (rs371369186, gnomAD 0.1%). This variant has not been reported in the literature in individuals affected with PANK2-related conditions. ClinVar contains an entry for this variant (Variation ID: 1503744). Invitae Evidence Modeling of protein sequence and biophysical properties (such as structural, functional, and spatial information, amino acid conservation, physicochemical variation, residue mobility, and thermodynamic stability) indicates that this missense variant is expected to disrupt PANK2 protein function with a positive predictive value of 80%. This variant disrupts the p.Arg532 amino acid residue in PANK2. Other variant(s) that disrupt this residue have been determined to be pathogenic (PMID: 12510040, 23166001). This suggests that this residue is clinically significant, and that variants that disrupt this residue are likely to be disease-causing. In summary, the available evidence is currently insufficient to determine the role of this variant in disease. Therefore, it has been classified as a Variant of Uncertain Significance.

Blueprint Genetics
Classification: Uncertain significance. Last evaluated: 2023-02-20. Review status: criteria provided, single submitter. Criteria: ACMG Guidelines, 2015. Collection method: clinical testing. Allele origin: germline.

Ambry Genetics
Classification: Uncertain significance for Inborn genetic diseases. Last evaluated: 2021-09-17. Review status: criteria provided, single submitter. Criteria: Ambry Variant Classification Scheme 2023. Collection method: clinical testing. Allele origin: germline.

Literature cited by the submitters: PubMed 12510040 (cited by Labcorp Genetics (formerly Invitae), Labcorp); PubMed 23166001 (cited by Labcorp Genetics (formerly Invitae), Labcorp).

NM_001386393.1(PANK2):c.1265G>A (p.Arg422Gln)

Gene: PANK2 (pantothenate kinase 2; plus strand). Cytogenetic location: 20p13.
Variant type: single nucleotide variant.
Coding change: c.1265G>A on transcript NM_001386393.1 (MANE Select); coding-DNA position 1265, G replaced by A.
Protein change: p.Arg422Gln; replaces arginine 422 with glutamine.
Molecular consequence: missense variant. On other transcripts: non-coding transcript variant (1).
Genome position (GRCh38, 1-based): chr20:3,918,729, G>A. VCF-style: chr20-3918729-G-A. GRCh37 (hg19) VCF-style: chr20-3899376-G-A.
Other names: c.1595G>A (NM_153638.2); c.722G>A, p.Arg241Gln (NM_001324191.2, NM_024960.6, NM_153640.4); c.287G>A, p.Arg96Gln (NM_001324193.2); c.1595G>A, p.Arg532Gln (NM_153638.4); short protein forms R422Q, R532Q, R241Q, R96Q.
Identifiers: ClinVar variation 1503744 (VCV001503744.6), dbSNP rs371369186, ClinGen allele CA9750932.